The following is an entry in ClinVar:

ClinVar aggregate classification (germline): Conflicting classifications of pathogenicity. Review status: criteria provided, conflicting classifications (1 of 4 stars). 2 submissions from 2 submitters: Uncertain significance (1); Likely benign (1). Last evaluated 2025-09-10.

Conditions:
Autosomal dominant nocturnal frontal lobe epilepsy 5. Also called: KCNT1-Related Epilepsy; Epilepsy, nocturnal frontal lobe, 5; CILIARY DYSKINESIA, PRIMARY, 28, WITHOUT SITUS INVERSUS; CILIARY DYSKINESIA, PRIMARY, 28, WITH SITUS INVERSUS. Identifiers: Orphanet 98784, MedGen C3554306, MONDO:0014002, OMIM 615005.
Developmental and epileptic encephalopathy, 14 (DEE14). Also called: Early infantile epileptic encephalopathy 14. Identifiers: Orphanet 293181, MedGen C3554195, MONDO:0013989, OMIM 614959.

Allele frequency attached by ClinVar (database versions not stated): gnomAD 0.00002; TOPMed 0.00005.
gnomAD v4.1: 8 of 1,607,944 alleles (0.0005%); highest among the groups gnomAD compares: Admixed American, 0.0033%; no homozygotes.

Submissions (2):

Labcorp Genetics (formerly Invitae), Labcorp
Classification: Likely benign for Autosomal dominant nocturnal frontal lobe epilepsy 5; Developmental and epileptic encephalopathy, 14. Last evaluated: 2025-09-10. Review status: criteria provided, single submitter. Criteria: Invitae Variant Classification Sherloc (09022015). Collection method: clinical testing. Allele origin: germline.

Laboratorio de Genetica e Diagnostico Molecular, Hospital Israelita Albert Einstein
Classification: Uncertain significance. Last evaluated: 2019-10-21. Review status: criteria provided, single submitter. Criteria: ACMG Guidelines, 2015. Collection method: clinical testing. Allele origin: germline. Affected: yes.
Comment: ACMG classification criteria: PM2

NM_020822.3(KCNT1):c.2730-3C>T

Gene: KCNT1 (potassium sodium-activated channel subfamily T member 1; plus strand). Cytogenetic location: 9q34.3.
Variant type: single nucleotide variant.
Coding change: c.2730-3C>T on transcript NM_020822.3 (MANE Select); 3 bases into the intron before coding-DNA position 2730, C replaced by T.
Molecular consequence: intron variant.
Genome position (GRCh38, 1-based): chr9:135,779,356, C>T. VCF-style: chr9-135779356-C-T. GRCh37 (hg19) VCF-style: chr9-138671202-C-T.
Other names: c.2595-3C>T (NM_001272003.2).
Identifiers: ClinVar variation 757872 (VCV000757872.8), dbSNP rs1193875216, ClinGen allele CA860993698.
Genomic context (GRCh38, chr9:135,779,356, plus strand): 5'-CCCCCACCCTGAGACCTCCTACAACCACCATGGGCCCCGCCCTGAGCCGCCTGCCTCCCC[C>T]AGGCTCTTCCCCAGCCTCAGCATCACCACGGAGCTCACCCACCCTTCCAACATGCGCTTC-3'